The following is an entry in ClinVar:

ClinVar aggregate classification (germline): Uncertain significance (1 of 4 stars; one submission).

Conditions:
Aortic aneurysm, familial thoracic 6 (AAT6). Also called: FAMILIAL THORACIC AORTIC ANEURYSM WITH LIVEDO RETICULARIS AND IRIS FLOCCULI. Identifiers: MedGen C2673186, MONDO:0012730, OMIM 611788.

Submission:

Labcorp Genetics (formerly Invitae), Labcorp
Classification: Uncertain significance for Aortic aneurysm, familial thoracic 6. Last evaluated: 2022-08-28. Review status: criteria provided, single submitter. Criteria: Invitae Variant Classification Sherloc (09022015). Collection method: clinical testing. Allele origin: germline.
Comment: In summary, the available evidence is currently insufficient to determine the role of this variant in disease. Therefore, it has been classified as a Variant of Uncertain Significance. This variant has not been reported in the literature in individuals affected with ACTA2-related conditions. This variant results in a copy number gain of the genomic region encompassing exon(s) 1-8 of the ACTA2 gene. This region includes the initiator codon of the gene. This copy number gain extends beyond the assayed region for this gene and therefore may encompass additional genes. As the precise location of this event is unknown, it may be in tandem or it may be located elsewhere in the genome.

NC_000010.10:g.(?_90697798)_(90767614_?)dup

Genes: FAS (Fas cell surface death receptor; plus strand), FAS-AS1 (FAS antisense RNA 1; minus strand), ACTA2 (actin alpha 2, smooth muscle; minus strand). Cytogenetic location: 10q23.31.
Variant type: Duplication.
Identifiers: ClinVar variation 2424208 (VCV002424208.5).